The following is an entry in ClinVar:

ClinVar aggregate classification (germline): Conflicting classifications of pathogenicity. Review status: criteria provided, conflicting classifications (1 of 4 stars). 6 submissions from 6 submitters: Uncertain significance (4); Likely benign (2). Last evaluated 2026-08-04.

Conditions:
Autosomal recessive limb-girdle muscular dystrophy type 2J (LGMDR10). Also called: MUSCULAR DYSTROPHY, LIMB-GIRDLE, AUTOSOMAL RECESSIVE 10; Limb-girdle muscular dystrophy, type 2J. Identifiers: Orphanet 140922, MedGen C1837342, MONDO:0012127, OMIM 608807.
Dilated cardiomyopathy 1G (CMD1G). Identifiers: Orphanet 154, MedGen C1858763, MONDO:0011400, OMIM 604145.
TTN-related disorder. Also called: TTN-related condition; TTN-related disease; TTN-related disorders.
Cardiovascular phenotype. Identifiers: MedGen CN230736.

Allele frequency attached by ClinVar (database versions not stated): 1000 Genomes Project 30x 0.00016; 1000 Genomes Project 0.00020; gnomAD exomes below 0.00001; gnomAD 0.00005 and 0.00006; TOPMed 0.00005.
gnomAD v4.1: 11 of 1,612,098 alleles (0.00068%); highest among the groups gnomAD compares: African/African-American, 0.013%; no homozygotes.

Submissions (6):

PreventionGenetics, part of Exact Sciences
Classification: Uncertain significance for TTN-related condition. Last evaluated: 2026-08-04. Review status: criteria provided, single submitter. Criteria: ACMG Guidelines, 2015. Collection method: clinical testing. Allele origin: germline.
Comment: The TTN c.102191C>T variant is predicted to result in the amino acid substitution p.Ala34064Val. To our knowledge, this variant has not been reported in the literature. This variant is reported in 0.023% of alleles in individuals of African descent in gnomAD. At this time, the clinical significance of this variant is uncertain due to the absence of conclusive functional and genetic evidence.

Labcorp Genetics (formerly Invitae), Labcorp
Classification: Uncertain significance for Dilated cardiomyopathy 1G; Autosomal recessive limb-girdle muscular dystrophy type 2J. Last evaluated: 2025-12-31. Review status: criteria provided, single submitter. Criteria: Invitae Variant Classification Sherloc (09022015). Collection method: clinical testing. Allele origin: germline.
Comment: This sequence change replaces alanine, which is neutral and non-polar, with valine, which is neutral and non-polar, at codon 34064 of the TTN protein (p.Ala34064Val). This variant is present in population databases (rs149921607, gnomAD 0.02%). This variant has not been reported in the literature in individuals affected with TTN-related conditions. ClinVar contains an entry for this variant (Variation ID: 572614). Experimental studies and prediction algorithms are not available or were not evaluated, and the functional significance of this variant is currently unknown. This variant is located in the M band of TTN (PMID: 25589632). Non-truncating variants in this region may be relevant for neuromuscular disorders, but have not been definitively shown to cause cardiomyopathy (PMID: 23975875). In summary, the available evidence is currently insufficient to determine the role of this variant in disease. Therefore, it has been classified as a Variant of Uncertain Significance.

Molecular Diagnostic Laboratory for Inherited Cardiovascular Disease, Montreal Heart Institute
Classification: Likely benign. Last evaluated: 2025-07-24. Review status: criteria provided, single submitter. Criteria: ACMG Guidelines, 2015. Collection method: clinical testing. Allele origin: germline. Affected: no.
Comment: BP1

Women's Health and Genetics/Laboratory Corporation of America, LabCorp
Classification: Uncertain significance. Last evaluated: 2025-02-08. Review status: criteria provided, single submitter. Criteria: LabCorp Variant Classification Summary - May 2015. Collection method: clinical testing. Allele origin: germline.

Ambry Genetics
Classification: Uncertain significance for Cardiovascular phenotype. Last evaluated: 2019-09-20. Review status: criteria provided, single submitter. Criteria: Ambry Variant Classification Scheme 2023. Collection method: clinical testing. Allele origin: germline.
Comment: The p.A24999V variant (also known as c.74996C>T), located in coding exon 185 of the TTN gene, results from a C to T substitution at nucleotide position 74996. The alanine at codon 24999 is replaced by valine, an amino acid with similar properties. This amino acid position is highly conserved in available vertebrate species. In addition, the in silico prediction for this alteration is inconclusive. Since supporting evidence is limited at this time, the clinical significance of this alteration remains unclear.

GeneDx
Classification: Likely benign. Last evaluated: 2019-08-30. Review status: criteria provided, single submitter. Criteria: GeneDx Variant Classification Process June 2021. Collection method: clinical testing. Allele origin: germline. Affected: yes.

Literature cited by the submitters: PubMed 25589632 (cited by Labcorp Genetics (formerly Invitae), Labcorp); PubMed 23975875 (cited by Labcorp Genetics (formerly Invitae), Labcorp).

NM_001267550.2(TTN):c.102191C>T (p.Ala34064Val)

Genes: TTN (titin; minus strand), TTN-AS1 (TTN antisense RNA 1; plus strand). Cytogenetic location: 2q31.2.
Variant type: single nucleotide variant.
Coding change: c.102191C>T on transcript NM_001267550.2 (MANE Select); coding-DNA position 102191, C replaced by T.
Protein change: p.Ala34064Val; replaces alanine 34064 with valine.
Molecular consequence: missense variant.
Genome position (GRCh38, 1-based): chr2:178,534,424, G>A on the plus strand (C>T on the coding strand, the complement: TTN is on the minus strand). VCF-style: chr2-178534424-G-A. GRCh37 (hg19) VCF-style: chr2-179399151-G-A.
Other names: c.97268C>T, p.Ala32423Val (NM_001256850.1); c.74996C>T, p.Ala24999Val (NM_003319.4); c.94487C>T, p.Ala31496Val (NM_133378.4); c.75371C>T, p.Ala25124Val (NM_133432.3); c.75572C>T, p.Ala25191Val (NM_133437.4); short protein forms A34064V, A25191V, A31496V, A24999V, A25124V, A32423V.
Identifiers: ClinVar variation 572614 (VCV000572614.15), dbSNP rs149921607, ClinGen allele CA60959410.
Genomic context (GRCh38, chr2:178,534,424, plus strand): 5'-ACTTTAGTACTGACTCTTTCTATCTTCTGCTTCAACCATGGGTGCTGGAGAGCCTCCGAT[G>A]CTGTCATGCGAGATTTCCTCTCTTTCACTAACAACCGGTCAACAAAATCCATGGCTTCAA-3'
Protein context (NP_001254479.2, residues 34054-34074): LVKERKSRMT[Ala34064Val]SEALQHPWLK